The following is an entry in ClinVar:

NM_001267550.2(TTN):c.83771C>T (p.Ser27924Phe)

Genes: TTN (titin; minus strand), TTN-AS1 (TTN antisense RNA 1; plus strand). Cytogenetic location: 2q31.2.
Variant type: single nucleotide variant.
Coding change: c.83771C>T on transcript NM_001267550.2 (MANE Select); coding-DNA position 83771, C replaced by T.
Protein change: p.Ser27924Phe; replaces serine 27924 with phenylalanine.
Molecular consequence: missense variant.
Genome position (GRCh38, 1-based): chr2:178,562,361, G>A on the plus strand (C>T on the coding strand, the complement: TTN is on the minus strand). VCF-style: chr2-178562361-G-A. GRCh37 (hg19) VCF-style: chr2-179427088-G-A.
Other names: c.78848C>T, p.Ser26283Phe (NM_001256850.1); c.56576C>T, p.Ser18859Phe (NM_003319.4); c.76067C>T, p.Ser25356Phe (NM_133378.4); c.56951C>T, p.Ser18984Phe (NM_133432.3); c.57152C>T, p.Ser19051Phe (NM_133437.4); short protein forms S18859F, S18984F, S26283F, S27924F, S19051F, S25356F.
Identifiers: ClinVar variation 4994833 (VCV004994833.1).
Genomic context (GRCh38, chr2:178,562,361, plus strand): 5'-CTTCCCTTTTCGTTAACTGCAGCTACCCTGAAGACATACTCTTCTCCTGCAGTTAAGCCA[G>A]ATATAGTTGCTTCTAGAGTCTTAACTTGTGTGCAGGTGCTCCACTTTTCACTCCCTTTAG-3'
Protein context (NP_001254479.2, residues 27914-27934): TQVKTLEATI[Ser27924Phe]GLTAGEEYVF

ClinVar aggregate classification (germline): Uncertain significance (1 of 4 stars; one submission).

Conditions:
TTN-related disorder. Also called: TTN-related condition; TTN-related disease; TTN-related disorders.

gnomAD v4.1: 2 of 1,610,852 alleles (0.00012%); highest among the groups gnomAD compares: African/African-American, 0.0013%; no homozygotes.

Submission:

PreventionGenetics, part of Exact Sciences
Classification: Uncertain significance for TTN-related condition. Last evaluated: 2026-01-13. Review status: criteria provided, single submitter. Criteria: ACMG Guidelines, 2015. Collection method: clinical testing. Allele origin: germline.
Comment: The TTN c.83771C>T variant is predicted to result in the amino acid substitution p.Ser27924Phe. To our knowledge, this variant has not been reported in the literature or in a large population database (gnomAD), indicating this variant is rare. At this time, the clinical significance of this variant is uncertain due to the absence of conclusive functional and genetic evidence.